The following is an entry in ClinVar:

NM_005359.6(SMAD4):c.86G>T (p.Gly29Val)

Gene: SMAD4 (SMAD family member 4; plus strand). Cytogenetic location: 18q21.2.
Variant type: single nucleotide variant.
Coding change: c.86G>T on transcript NM_005359.6 (MANE Select); coding-DNA position 86, G replaced by T.
Protein change: p.Gly29Val; replaces glycine 29 with valine.
Molecular consequence: missense variant. On other transcripts: non-coding transcript variant (2).
Genome position (GRCh38, 1-based): chr18:51,047,132, G>T. VCF-style: chr18-51047132-G-T. GRCh37 (hg19) VCF-style: chr18-48573502-G-T.
Other names: c.86G>T, p.Gly29Val (NM_001407041.1, NM_001407042.1, NM_001407043.1); short protein forms G29V.
Identifiers: ClinVar variation 4043714 (VCV004043714.1).

ClinVar aggregate classification (germline): Uncertain significance (1 of 4 stars; one submission).

Conditions:
Familial thoracic aortic aneurysm and aortic dissection (TAAD). Also called: Thoracic aortic aneurysms and dissections. Identifiers: Orphanet 91387, MedGen C4707243, MONDO:0019625.
Hereditary cancer-predisposing syndrome. Also called: Neoplastic Syndromes, Hereditary; Tumor predisposition; Hereditary neoplastic syndrome; Hereditary Cancer Syndrome. Identifiers: Orphanet 140162, MedGen C0027672, MeSH D009386, MONDO:0015356.

Submission:

Ambry Genetics
Classification: Uncertain significance for Hereditary cancer-predisposing syndrome; Familial thoracic aortic aneurysm and aortic dissection. Last evaluated: 2025-04-08. Review status: criteria provided, single submitter. Criteria: Ambry Variant Classification Scheme 2023. Collection method: clinical testing. Allele origin: germline.
Comment: The p.G29V variant (also known as c.86G>T), located in coding exon 1 of the SMAD4 gene, results from a G to T substitution at nucleotide position 86. The glycine at codon 29 is replaced by valine, an amino acid with dissimilar properties. This amino acid position is conserved. In addition, this alteration is predicted to be deleterious by in silico analysis. Based on the available evidence, the clinical significance of this variant remains unclear.